The following is an entry in ClinVar:

NM_000878.5(IL2RB):c.24G>T (p.Trp8Cys)

Gene: IL2RB (interleukin 2 receptor subunit beta; minus strand). Cytogenetic location: 22q12.3.
Variant type: single nucleotide variant.
Coding change: c.24G>T on transcript NM_000878.5 (MANE Select); coding-DNA position 24, G replaced by T.
Protein change: p.Trp8Cys; replaces tryptophan 8 with cysteine.
Molecular consequence: missense variant.
Genome position (GRCh38, 1-based): chr22:37,144,149, C>A on the plus strand (G>T on the coding strand, the complement: IL2RB is on the minus strand). VCF-style: chr22-37144149-C-A. GRCh37 (hg19) VCF-style: chr22-37540189-C-A.
Other names: c.24G>T, p.Trp8Cys (NM_001346222.1, NM_001346223.2); short protein forms W8C.
Identifiers: ClinVar variation 1397092 (VCV001397092.6), dbSNP rs1351067152, ClinGen allele CA411429806.
Genomic context (GRCh38, chr22:37,144,149, plus strand): 5'-CACCGCTGCAGATGCCCAAGAGGTAGCCAGGGGCAGGAGGAGGATGAGGAGGGGCAGACG[C>A]CAGGACAGAGCAGGGGCCGCCATTACATCCACAGGGTGGAGCCGAGGAAGGAAGCCCTGG-3'
Protein context (NP_000869.1, residues 1-18): MAAPALS[Trp8Cys]RLPLLILLLP

ClinVar aggregate classification (germline): Uncertain significance (1 of 4 stars; one submission).

gnomAD v4.1: 1 of 1,551,874 alleles (0.000064%); highest among the groups gnomAD compares: Non-Finnish European, 0.000087%; no homozygotes.

Submission:

Labcorp Genetics (formerly Invitae), Labcorp
Classification: Uncertain significance. Last evaluated: 2023-07-07. Review status: criteria provided, single submitter. Criteria: Invitae Variant Classification Sherloc (09022015). Collection method: clinical testing. Allele origin: germline.
Comment: In summary, the available evidence is currently insufficient to determine the role of this variant in disease. Therefore, it has been classified as a Variant of Uncertain Significance. Algorithms developed to predict the effect of missense changes on protein structure and function output the following: SIFT: "Not Available"; PolyPhen-2: "Benign"; Align-GVGD: "Not Available". The cysteine amino acid residue is found in multiple mammalian species, which suggests that this missense change does not adversely affect protein function. ClinVar contains an entry for this variant (Variation ID: 1397092). This variant has not been reported in the literature in individuals affected with IL2RB-related conditions. This variant is not present in population databases (gnomAD no frequency). This sequence change replaces tryptophan, which is neutral and slightly polar, with cysteine, which is neutral and slightly polar, at codon 8 of the IL2RB protein (p.Trp8Cys).